The following is an entry in ClinVar:

ClinVar aggregate classification (germline): Benign (1 of 4 stars; one submission).

Submission:

GeneDx
Classification: Benign. Last evaluated: 2018-06-19. Review status: criteria provided, single submitter. Criteria: GeneDx Variant Classification (06012015). Collection method: clinical testing. Allele origin: germline. Affected: yes.
Comment: This variant is considered likely benign or benign based on one or more of the following criteria: it is a conservative change, it occurs at a poorly conserved position in the protein, it is predicted to be benign by multiple in silico algorithms, and/or has population frequency not consistent with disease.

NM_004863.4(SPTLC2):c.956+308_956+312del

Gene: SPTLC2 (serine palmitoyltransferase long chain base subunit 2; minus strand). Cytogenetic location: 14q24.3.
Variant type: Deletion.
Coding change: c.956+308_956+312del on transcript NM_004863.4 (MANE Select); bases 308 to 312 of the intron after coding-DNA position 956, 5 bases deleted (ACAAA; older notation c.956+308_956+312delACAAA).
Molecular consequence: intron variant.
Genome position (GRCh38, 1-based): chr14:77,556,729-77,556,733, TTTGT deleted on the plus strand (ACAAA on the coding strand, the reverse complement: SPTLC2 is on the minus strand); deleting any 5 consecutive bases within chr14:77,556,729-77,556,737 gives the same sequence; the c. name uses the placement nearest the transcript's 3' end. VCF-style (leftmost placement, unchanged base first): chr14-77556728-ATTTGT-A. GRCh37 (hg19) VCF-style: chr14-78023071-ATTTGT-A.
Identifiers: ClinVar variation 667525 (VCV000667525.1), dbSNP rs67906677, ClinGen allele CA263847456.